The following is an entry in ClinVar:

NM_024570.4(RNASEH2B):c.356A>G (p.Asp119Gly)

Gene: RNASEH2B (ribonuclease H2 subunit B; plus strand). Cytogenetic location: 13q14.3.
Variant type: single nucleotide variant.
Coding change: c.356A>G on transcript NM_024570.4 (MANE Select); coding-DNA position 356, A replaced by G.
Protein change: p.Asp119Gly; replaces aspartic acid 119 with glycine.
Molecular consequence: missense variant.
Genome position (GRCh38, 1-based): chr13:50,934,919, A>G. VCF-style: chr13-50934919-A-G. GRCh37 (hg19) VCF-style: chr13-51509055-A-G.
Other names: c.356A>G, p.Asp119Gly (NM_001142279.2); short protein forms D119G.
Identifiers: ClinVar variation 191042 (VCV000191042.12), dbSNP rs786205483, ClinGen allele CA235894.

ClinVar aggregate classification (germline): Pathogenic/Likely pathogenic. Review status: criteria provided, multiple submitters, no conflicts (2 of 4 stars). 9 submissions from 7 submitters: Pathogenic (2); Likely pathogenic (3). 4 of the submissions do not count toward it. Last evaluated 2024-03-21.

Conditions:
RNASEH2B-related disorder. Also called: RNASEH2B-related condition.
Aicardi-Goutieres syndrome 1. Also called: PSEUDOTOXOPLASMOSIS SYNDROME; CREE ENCEPHALITIS; ENCEPHALOPATHY, FAMILIAL INFANTILE, WITH INTRACRANIAL CALCIFICATION AND CHRONIC CEREBROSPINAL FLUID LYMPHOCYTOSIS. Identifiers: Orphanet 51, MedGen C0796126, MONDO:0009165, OMIM 225750.
Aicardi-Goutieres syndrome 2. Identifiers: Orphanet 51, MedGen C3489724, MONDO:0012429, OMIM 610181.

Submissions (9):

Genomic Medicine Center of Excellence, King Faisal Specialist Hospital and Research Centre
Classification: Pathogenic for Aicardi-Goutieres syndrome 2. Last evaluated: 2024-03-21. Review status: criteria provided, single submitter. Criteria: ACMG Guidelines, 2015. Collection method: clinical testing. Allele origin: germline.

Revvity Omics, Revvity
Classification: Likely pathogenic for Aicardi-Goutieres syndrome 2. Last evaluated: 2021-01-21. Review status: criteria provided, single submitter. Criteria: ACMG Guidelines, 2015. Collection method: clinical testing. Allele origin: germline.

Blueprint Genetics
Classification: Pathogenic for RNASEH2B-related disorders. Last evaluated: 2019-06-28. Review status: criteria provided, single submitter. Criteria: ACMG Guidelines, 2015. Collection method: clinical testing. Allele origin: germline. Affected: yes. Observed: 2 variant alleles.

GeneDx
Classification: Likely pathogenic. Last evaluated: 2016-02-22. Review status: criteria provided, single submitter. Criteria: GeneDx Variant Classification (06012015). Collection method: clinical testing. Allele origin: germline. Affected: yes.
Comment: The D119G variant in the RNASEH2B gene has not been reported previously as a pathogenic variant, nor as a benign variant, to our knowledge. The D119G variant was not observed in approximately 6,500 individuals of European and African American ancestry in the NHLBI Exome Sequencing Project, indicating it is not a common benign variant in these populations. The D119G variant is a non-conservative amino acid substitution, which is likely to impact secondary protein structure as these residues differ in polarity, charge, size and/or other properties. This substitution occurs at a position that is conserved across species. In silico analysis predicts this variant is probably damaging to the protein structure/function. The D119G variant is a strong candidate for a pathogenic variant, however the possibility it may be a rare benign variant cannot be excluded.

Pathology and Clinical Laboratory Medicine, King Fahad Medical City
Classification: Likely pathogenic for Aicardi-Goutieres syndrome 2. Review status: criteria provided, single submitter. Criteria: ACMG Guidelines, 2015. Collection method: clinical testing. Allele origin: germline. Affected: yes. Observed: 1 variant allele.

Biochemical Molecular Genetic Laboratory, King Abdulaziz Medical City
Classification: Likely pathogenic for Aicardi-Goutieres syndrome 2. Last evaluated: 2019-09-26. Review status: no assertion criteria provided. Collection method: clinical testing. Allele origin: germline. Affected: yes. Not counted in ClinVar's aggregate classification.

Lupski Lab, Baylor-Hopkins CMG, Baylor College of Medicine
Classification: Pathogenic for Aicardi-Goutieres syndrome 2. Last evaluated: 2016-01-10. Review status: no assertion criteria provided. Collection method: research. Allele origin: inherited. Inheritance: Autosomal recessive inheritance. Affected: yes. Observed: 1 variant allele, 1 homozygote. Study: The combination of WES, CNV-derived from WES, paralog studies, and GeneMatcher provide potential molecular diagnosis in a cohort from Saudi Arabia. Not counted in ClinVar's aggregate classification.

Genomic Medicine Center of Excellence, King Faisal Specialist Hospital and Research Centre
Classification: Pathogenic for Aicardi-Goutieres syndrome 1. Last evaluated: 2024-03-17. Review status: flagged submission. Criteria: ACMG Guidelines, 2015. Collection method: research. Allele origin: germline. Not counted in ClinVar's aggregate classification.
ClinVar note: Reason: This record appears to be redundant with a more recent record from the same submitter.
ClinVar note: Notes: SCV004805189 appears to be redundant with SCV005038911.

Genomic Medicine Center of Excellence, King Faisal Specialist Hospital and Research Centre
Classification: Likely pathogenic. Review status: flagged submission. Criteria: ACMG Guidelines, 2015. Collection method: research. Allele origin: germline. Affected: yes. Not counted in ClinVar's aggregate classification.
ClinVar note: Reason: This record appears to be redundant with a more recent record from the same submitter.
ClinVar note: Notes: SCV000221415 appears to be redundant with SCV005038911.